The following is an entry in ClinVar:

NM_022168.4(IFIH1):c.626T>C (p.Ile209Thr)

Gene: IFIH1 (interferon induced with helicase C domain 1; minus strand). Cytogenetic location: 2q24.2.
Variant type: single nucleotide variant.
Coding change: c.626T>C on transcript NM_022168.4 (MANE Select); coding-DNA position 626, T replaced by C.
Protein change: p.Ile209Thr; replaces isoleucine 209 with threonine.
Molecular consequence: missense variant.
Genome position (GRCh38, 1-based): chr2:162,306,852, A>G on the plus strand (T>C on the coding strand, the complement: IFIH1 is on the minus strand). VCF-style: chr2-162306852-A-G. GRCh37 (hg19) VCF-style: chr2-163163362-A-G.
Other names: short protein forms I209T.
Identifiers: ClinVar variation 1721769 (VCV001721769.5), dbSNP rs2468992312, ClinGen allele CA349008859.

ClinVar aggregate classification (germline): Uncertain significance (1 of 4 stars; one submission).

Conditions:
Aicardi-Goutieres syndrome 7 (AGS7). Identifiers: Orphanet 51, MedGen C3888244, MONDO:0014367, OMIM 615846.
Singleton-Merten syndrome 1 (SGMRT1). Also called: Widened medullary cavities of bone, aortic calcification, abnormal dentition, and muscular weakness; Syndrome of widened medullary cavities of the metacarpals and phalanges, aortic calcification and abnormal dentition. Identifiers: Orphanet 85191, MedGen C4225427, MONDO:0024535, OMIM 182250.

Allele frequency attached by ClinVar (database versions not stated): gnomAD exomes below 0.00001.
gnomAD v4.1: 2 of 1,613,308 alleles (0.00012%); highest among the groups gnomAD compares: Non-Finnish European, 0.000085%; no homozygotes.

Submission:

Labcorp Genetics (formerly Invitae), Labcorp
Classification: Uncertain significance for Aicardi-Goutieres syndrome 7; Singleton-Merten syndrome 1. Last evaluated: 2022-10-17. Review status: criteria provided, single submitter. Criteria: Invitae Variant Classification Sherloc (09022015). Collection method: clinical testing. Allele origin: germline.
Comment: In summary, the available evidence is currently insufficient to determine the role of this variant in disease. Therefore, it has been classified as a Variant of Uncertain Significance. Algorithms developed to predict the effect of missense changes on protein structure and function output the following: SIFT: "Tolerated"; PolyPhen-2: "Benign"; Align-GVGD: "Class C0". The threonine amino acid residue is found in multiple mammalian species, which suggests that this missense change does not adversely affect protein function. This variant has not been reported in the literature in individuals affected with IFIH1-related conditions. This variant is not present in population databases (gnomAD no frequency). This sequence change replaces isoleucine, which is neutral and non-polar, with threonine, which is neutral and polar, at codon 209 of the IFIH1 protein (p.Ile209Thr).